The following is an entry in ClinVar:

ClinVar aggregate classification (germline): Likely pathogenic (1 of 4 stars; one submission).

Submission:

Labcorp Genetics (formerly Invitae), Labcorp
Classification: Likely pathogenic. Last evaluated: 2023-09-06. Review status: criteria provided, single submitter. Criteria: Invitae Variant Classification Sherloc (09022015). Collection method: clinical testing. Allele origin: germline.
Comment: In summary, the currently available evidence indicates that the variant is pathogenic, but additional data are needed to prove that conclusively. Therefore, this variant has been classified as Likely Pathogenic. This variant has not been reported in the literature in individuals affected with EIF2B2-related conditions. This variant is not present in population databases (gnomAD no frequency). This variant results in the deletion of part of exon 3 (c.421_433+19del) of the EIF2B2 gene. It is expected to disrupt RNA splicing. Variants that disrupt the donor or acceptor splice site typically lead to a loss of protein function (PMID: 16199547), and loss-of-function variants in EIF2B2 are known to be pathogenic (PMID: 11704758, 12707859).

Literature cited by the submitters: PubMed 16199547; PubMed 11704758; PubMed 12707859.

NM_014239.4(EIF2B2):c.421_433+19del

Gene: EIF2B2 (eukaryotic translation initiation factor 2B subunit beta; plus strand). Cytogenetic location: 14q24.3.
Variant type: Deletion.
Coding change: c.421_433+19del on transcript NM_014239.4 (MANE Select); coding-DNA position 421 through 19 bases into the intron after coding-DNA position 433, 32 bases deleted.
Molecular consequence: splice donor variant.
Genome position (GRCh38, 1-based): chr14:75,003,687-75,003,718, 32 bases deleted; deleting any 32 consecutive bases within chr14:75,003,683-75,003,718 gives the same sequence; the c. name uses the placement nearest the transcript's 3' end. GRCh37 (hg19): chr14:75,470,390-75,470,421.
Identifiers: ClinVar variation 2758537 (VCV002758537.3), dbSNP rs2503004516, ClinGen allele CA2697554025.